The following is an entry in ClinVar:

ClinVar aggregate classification (germline): Uncertain significance (1 of 4 stars; one submission).

Allele frequency attached by ClinVar (database versions not stated): TOPMed below 0.00001; gnomAD 0.00001.
gnomAD v4.1: 9 of 1,614,034 alleles (0.00056%); highest among the groups gnomAD compares: Non-Finnish European, 0.00076%; no homozygotes.

Submission:

Labcorp Genetics (formerly Invitae), Labcorp
Classification: Uncertain significance. Last evaluated: 2025-06-12. Review status: criteria provided, single submitter. Criteria: Invitae Variant Classification Sherloc (09022015). Collection method: clinical testing. Allele origin: germline.
Comment: This sequence change replaces serine, which is neutral and polar, with asparagine, which is neutral and polar, at codon 2180 of the PLCE1 protein (p.Ser2180Asn). This variant is present in population databases (no rsID available, gnomAD 0.0009%). This variant has not been reported in the literature in individuals affected with PLCE1-related conditions. ClinVar contains an entry for this variant (Variation ID: 2871860). Invitae Evidence Modeling of protein sequence and biophysical properties (such as structural, functional, and spatial information, amino acid conservation, physicochemical variation, residue mobility, and thermodynamic stability) indicates that this missense variant is not expected to disrupt PLCE1 protein function with a negative predictive value of 80%. In summary, the available evidence is currently insufficient to determine the role of this variant in disease. Therefore, it has been classified as a Variant of Uncertain Significance.

NM_016341.4(PLCE1):c.6539G>A (p.Ser2180Asn)

Genes: NOC3L (NOC3 like DNA replication regulator; minus strand), PLCE1 (phospholipase C epsilon 1; plus strand). Cytogenetic location: 10q23.33.
Variant type: single nucleotide variant.
Coding change: c.6539G>A on transcript NM_016341.4 (MANE Select); coding-DNA position 6539, G replaced by A.
Protein change: p.Ser2180Asn; replaces serine 2180 with asparagine.
Molecular consequence: missense variant.
Genome position (GRCh38, 1-based): chr10:94,324,386, G>A. VCF-style: chr10-94324386-G-A. GRCh37 (hg19) VCF-style: chr10-96084143-G-A.
Other names: c.5615G>A, p.Ser1872Asn (NM_001165979.2); c.6491G>A, p.Ser2164Asn (NM_001288989.2); short protein forms S1872N, S2180N, S2164N.
Identifiers: ClinVar variation 2871860 (VCV002871860.3), dbSNP rs1202047514, ClinGen allele CA377649687.